The following is an entry in ClinVar:

NM_016169.4(SUFU):c.383C>G (p.Thr128Ser)

Gene: SUFU (SUFU negative regulator of hedgehog signaling; plus strand). Cytogenetic location: 10q24.32.
Variant type: single nucleotide variant.
Coding change: c.383C>G on transcript NM_016169.4 (MANE Select); coding-DNA position 383, C replaced by G.
Protein change: p.Thr128Ser; replaces threonine 128 with serine.
Molecular consequence: missense variant.
Genome position (GRCh38, 1-based): chr10:102,550,035, C>G. VCF-style: chr10-102550035-C-G. GRCh37 (hg19) VCF-style: chr10-104309792-C-G.
Other names: c.383C>G, p.Thr128Ser (NM_001178133.2); short protein forms T128S.
Identifiers: ClinVar variation 1735414 (VCV001735414.2), dbSNP rs749864416, ClinGen allele CA377903353.

ClinVar aggregate classification (germline): Uncertain significance (1 of 4 stars; one submission).

Conditions:
Hereditary cancer-predisposing syndrome. Also called: Neoplastic Syndromes, Hereditary; Tumor predisposition; Hereditary Cancer Syndrome; Hereditary neoplastic syndrome. Identifiers: Orphanet 140162, MedGen C0027672, MeSH D009386, MONDO:0015356.

Submission:

Ambry Genetics
Classification: Uncertain significance for Hereditary cancer-predisposing syndrome. Last evaluated: 2022-10-28. Review status: criteria provided, single submitter. Criteria: Ambry Variant Classification Scheme 2023. Collection method: clinical testing. Allele origin: germline.
Comment: The p.T128S variant (also known as c.383C>G), located in coding exon 3 of the SUFU gene, results from a C to G substitution at nucleotide position 383. The threonine at codon 128 is replaced by serine, an amino acid with similar properties. This amino acid position is conserved. In addition, this alteration is predicted to be tolerated by in silico analysis. Since supporting evidence is limited at this time, the clinical significance of this alteration remains unclear.